The following is an entry in ClinVar:

ClinVar aggregate classification (germline): Uncertain significance (1 of 4 stars; one submission).

Conditions:
Muscular dystrophy-dystroglycanopathy (congenital with brain and eye anomalies), type a, 11 (MDDGA11). Also called: Congenital muscular dystrophy-dystroglycanopathy with brain and eye anomalies, type A11; WALKER-WARBURG SYNDROME OR MUSCLE-EYE-BRAIN DISEASE, B3GALNT2-RELATED; Muscular dystrophy-dystroglycanopathy (congenital with brain and eye anomalies, type A, 11. Identifiers: Orphanet 588, Orphanet 899, MedGen C3554638, MONDO:0014071, OMIM 615181.

Allele frequency attached by ClinVar (database versions not stated): gnomAD exomes below 0.00001; ExAC 0.00001.
gnomAD v4.1: 4 of 1,614,044 alleles (0.00025%); highest among the groups gnomAD compares: African/African-American, 0.0013%; no homozygotes.

Submission:

Labcorp Genetics (formerly Invitae), Labcorp
Classification: Uncertain significance for Muscular dystrophy-dystroglycanopathy (congenital with brain and eye anomalies), type a, 11. Last evaluated: 2022-07-11. Review status: criteria provided, single submitter. Criteria: Invitae Variant Classification Sherloc (09022015). Collection method: clinical testing. Allele origin: germline.
Comment: This variant has not been reported in the literature in individuals affected with B3GALNT2-related conditions. In summary, the available evidence is currently insufficient to determine the role of this variant in disease. Therefore, it has been classified as a Variant of Uncertain Significance. Algorithms developed to predict the effect of missense changes on protein structure and function are either unavailable or do not agree on the potential impact of this missense change (SIFT: "Deleterious"; PolyPhen-2: "Possibly Damaging"; Align-GVGD: "Class C0"). ClinVar contains an entry for this variant (Variation ID: 942118). This variant is present in population databases (rs772253366, gnomAD 0.0009%). This sequence change replaces tyrosine, which is neutral and polar, with histidine, which is basic and polar, at codon 180 of the B3GALNT2 protein (p.Tyr180His).

NM_152490.5(B3GALNT2):c.538T>C (p.Tyr180His)

Gene: B3GALNT2 (beta-1,3-N-acetylgalactosaminyltransferase 2; minus strand). Cytogenetic location: 1q42.3.
Variant type: single nucleotide variant.
Coding change: c.538T>C on transcript NM_152490.5 (MANE Select); coding-DNA position 538, T replaced by C.
Protein change: p.Tyr180His; replaces tyrosine 180 with histidine.
Molecular consequence: missense variant.
Genome position (GRCh38, 1-based): chr1:235,484,339, A>G on the plus strand (T>C on the coding strand, the complement: B3GALNT2 is on the minus strand). VCF-style: chr1-235484339-A-G. GRCh37 (hg19) VCF-style: chr1-235647655-A-G.
Other names: c.661T>C, p.Tyr221His (NM_001277155.3); short protein forms Y180H, Y221H.
Identifiers: ClinVar variation 942118 (VCV000942118.7), dbSNP rs772253366, ClinGen allele CA1464889.